The following is an entry in ClinVar:

NM_172107.4(KCNQ2):c.388-298G>C

Gene: KCNQ2 (potassium voltage-gated channel subfamily Q member 2; minus strand). Cytogenetic location: 20q13.33.
Variant type: single nucleotide variant.
Coding change: c.388-298G>C on transcript NM_172107.4 (MANE Select); 298 bases into the intron before coding-DNA position 388, G replaced by C.
Molecular consequence: intron variant.
Genome position (GRCh38, 1-based): chr20:63,445,662, C>G on the plus strand (G>C on the coding strand, the complement: KCNQ2 is on the minus strand). VCF-style: chr20-63445662-C-G. GRCh37 (hg19) VCF-style: chr20-62077015-C-G.
Other names: c.388-298G>C (NM_004518.6, NM_172108.5, NM_172106.3 and 1 more transcripts).
Identifiers: ClinVar variation 683722 (VCV000683722.1), dbSNP rs67690852, ClinGen allele CA317462860.
Genomic context (GRCh38, chr20:63,445,662, plus strand): 5'-CCCCACCTCCCTGTCTGAGCTGGGGACTCTATCTGGGCTAGGGGACCATGTCTGAGCTGG[C>G]AGGGCTGCCCTGTCTGAGCTAGGGGGTTCTATCTGGGCTAGGGAACCCTGTCTGAGCTGG-3'

ClinVar aggregate classification (germline): Benign (1 of 4 stars; one submission).

Allele frequency attached by ClinVar (database versions not stated): gnomAD 0.63908 and 0.64313; 1000 Genomes Project 0.76717.

Submission:

GeneDx
Classification: Benign. Last evaluated: 2018-06-18. Review status: criteria provided, single submitter. Criteria: GeneDx Variant Classification (06012015). Collection method: clinical testing. Allele origin: germline. Affected: yes.
Comment: This variant is considered likely benign or benign based on one or more of the following criteria: it is a conservative change, it occurs at a poorly conserved position in the protein, it is predicted to be benign by multiple in silico algorithms, and/or has population frequency not consistent with disease.